The following is an entry in ClinVar:

ClinVar aggregate classification (germline): Benign/Likely benign. Review status: criteria provided, multiple submitters, no conflicts (2 of 4 stars). 7 submissions from 7 submitters: Benign (1); Likely benign (5). 1 of the submissions does not count toward it. Last evaluated 2026-02-03.

Conditions:
Connective tissue disorder. Also called: Connective tissue disease. Identifiers: MedGen C0009782, MONDO:0003900.
COL11A2-related disorder. Also called: COL11A2-related condition; COL11A2-related disorders.

Allele frequency attached by ClinVar (database versions not stated): ESP Exome Variant Server 0.00012; gnomAD 0.00024 and 0.00027; TOPMed 0.00036; 1000 Genomes Project 0.00040; 1000 Genomes Project 30x 0.00047; gnomAD exomes 0.00049; ExAC 0.00064.
gnomAD v4.1: 169 of 1,609,972 alleles (0.01%); highest among the groups gnomAD compares: East Asian, 0.3%; no homozygotes.

Submissions (7):

Labcorp Genetics (formerly Invitae), Labcorp
Classification: Benign. Last evaluated: 2026-02-03. Review status: criteria provided, single submitter. Criteria: Invitae Variant Classification Sherloc (09022015). Collection method: clinical testing. Allele origin: germline.

Women's Health and Genetics/Laboratory Corporation of America, LabCorp
Classification: Likely benign. Last evaluated: 2025-12-12. Review status: criteria provided, single submitter. Criteria: LabCorp Variant Classification Summary - May 2015. Collection method: clinical testing. Allele origin: germline.

Blueprint Genetics
Classification: Likely benign. Last evaluated: 2024-11-26. Review status: criteria provided, single submitter. Criteria: ACMG Guidelines, 2015. Collection method: clinical testing. Allele origin: germline.

Genome Diagnostics Laboratory, The Hospital for Sick Children
Classification: Likely benign for Connective tissue disorder. Last evaluated: 2021-01-19. Review status: criteria provided, single submitter. Criteria: ACMG Guidelines, 2015. Collection method: clinical testing. Allele origin: germline.

GeneDx
Classification: Likely benign. Last evaluated: 2020-04-13. Review status: criteria provided, single submitter. Criteria: GeneDx Variant Classification Process June 2021. Collection method: clinical testing. Allele origin: germline. Affected: yes.

Eurofins Ntd Llc (ga)
Classification: Likely benign. Last evaluated: 2016-12-27. Review status: criteria provided, single submitter. Criteria: EGL Classification Definitions 2015. Collection method: clinical testing. Allele origin: germline. Observed: 1 variant allele, 1 heterozygote.

PreventionGenetics, part of Exact Sciences
Classification: Likely benign for COL11A2-related condition. Last evaluated: 2019-03-14. Review status: no assertion criteria provided. Collection method: clinical testing. Allele origin: germline. Not counted in ClinVar's aggregate classification.
Comment: This variant is classified as likely benign based on ACMG/AMP sequence variant interpretation guidelines (Richards et al. 2015 PMID: 25741868, with internal and published modifications).

NM_080680.3(COL11A2):c.4950C>T (p.Asp1650=)

Gene: COL11A2 (collagen type XI alpha 2 chain; minus strand). Cytogenetic location: 6p21.32.
Variant type: single nucleotide variant.
Coding change: c.4950C>T on transcript NM_080680.3 (MANE Select); coding-DNA position 4950, C replaced by T.
Protein change: p.Asp1650=; no amino-acid change (aspartic acid 1650 retained).
Molecular consequence: synonymous variant.
Genome position (GRCh38, 1-based): chr6:33,164,387, G>A on the plus strand (C>T on the coding strand, the complement: COL11A2 is on the minus strand). VCF-style: chr6-33164387-G-A. GRCh37 (hg19) VCF-style: chr6-33132164-G-A.
Other names: c.4629C>T, p.Asp1543= (NM_080679.3); c.4692C>T, p.Asp1564= (NM_080681.3).
Identifiers: ClinVar variation 498728 (VCV000498728.22), dbSNP rs372110441, ClinGen allele CA3749946.
Genomic context (GRCh38, chr6:33,164,387, plus strand): 5'-ATTGGCCCCACGGAGTCTCAGGGGACCGTCACGGGCTGCTCCAGAGCAGGGGTAGGAGAC[G>A]TCCTGGTGGGCTGAGACGCTGAGCAGCCGCAGGAAGGTGAGCTGGACCACACCCACTGGG-3'
Protein context (NP_542411.2, residues 1640-1660): LRLLSVSAHQ[Asp1650=]VSYPCSGAAR